The following is an entry in ClinVar:

NM_024675.4(PALB2):c.833dup (p.Asn280fs)

Gene: PALB2 (partner and localizer of BRCA2; minus strand). Cytogenetic location: 16p12.2.
Variant type: Duplication.
Coding change: c.833dup on transcript NM_024675.4 (MANE Select); coding-DNA position 833, one base duplicated (T; older notation c.833dupT).
Protein change: p.Asn280fs; shifts the reading frame from asparagine 280.
Molecular consequence: frameshift variant. On other transcripts: 5 prime UTR variant (8), intron variant (3).
Genome position (GRCh38, 1-based): chr16:23,635,713, A duplicated on the plus strand (T on the coding strand, the reverse complement: PALB2 is on the minus strand). VCF-style (leftmost placement, unchanged base first): chr16-23635712-T-TA. GRCh37 (hg19) VCF-style: chr16-23647033-T-TA.
Other names: c.773dup, p.Asn260fs (NM_001407296.1); c.833dup, p.Asn280fs (NM_001407297.1, NM_001407298.1, NM_001407299.1 and 3 more transcripts); c.-53dup (NM_001407304.1, NM_001407305.1, NM_001407306.1 and 5 more transcripts); c.48+5397dup (NM_001407314.1); c.-104-5244dup (NM_001407313.1, NM_001407312.1); short protein forms N260fs, N280fs.
Identifiers: ClinVar variation 2827446 (VCV002827446.4), dbSNP rs2506498360, ClinGen allele CA2739266671.
Genomic context (GRCh38, chr16:23,635,712, plus strand): 5'-GACAGTCATTTTTTTGCCTTGTGCCTCCAAACTTACAGGTGAAGTAAATCTAATGTTTTT[T>TA]AGGTCGTGAGTAGTAAGTTCACTGCTACCTTTAGGAGGAATGTGTTCAAGGTGCTGACTA-3'

ClinVar aggregate classification (germline): Pathogenic. Review status: criteria provided, multiple submitters, no conflicts (2 of 4 stars). 2 submissions from 2 submitters: Pathogenic (2). Last evaluated 2026-01-13.

Conditions:
Inherited breast cancer and ovarian cancer.
Familial cancer of breast. Also called: Hereditary breast cancer; BREAST CANCER, FAMILIAL; hereditary breast carcinoma. Identifiers: Orphanet 227535, MedGen C0346153, MONDO:0016419, OMIM 114480. Disease mechanism: loss of function.

Submissions (2):

Cambridge Genomics Laboratory, East Genomic Laboratory Hub, NHS Genomic Medicine Service
Classification: Pathogenic for Inherited breast cancer and ovarian cancer. Last evaluated: 2026-01-13. Review status: criteria provided, single submitter. Criteria: ACGS Best Practice Guidelines for Variant Classification in Rare Disease 2020. Collection method: clinical testing. Allele origin: germline. Affected: yes.
Comment: PVS1,PM2_Supporting,PM5_Supporting

Labcorp Genetics (formerly Invitae), Labcorp
Classification: Pathogenic for Familial cancer of breast. Last evaluated: 2024-02-08. Review status: criteria provided, single submitter. Criteria: Invitae Variant Classification Sherloc (09022015). Collection method: clinical testing. Allele origin: germline.
Comment: This sequence change creates a premature translational stop signal (p.Asn280Lysfs*3) in the PALB2 gene. It is expected to result in an absent or disrupted protein product. Loss-of-function variants in PALB2 are known to be pathogenic (PMID: 17200668, 17200671, 17200672, 24136930, 25099575). This variant is not present in population databases (gnomAD no frequency). This variant has not been reported in the literature in individuals affected with PALB2-related conditions. For these reasons, this variant has been classified as Pathogenic.

Literature cited by the submitters: PubMed 17200668 (cited by Labcorp Genetics (formerly Invitae), Labcorp); PubMed 17200671 (cited by Labcorp Genetics (formerly Invitae), Labcorp); PubMed 17200672 (cited by Labcorp Genetics (formerly Invitae), Labcorp); PubMed 24136930 (cited by Labcorp Genetics (formerly Invitae), Labcorp); PubMed 25099575 (cited by Labcorp Genetics (formerly Invitae), Labcorp).